The following is an entry in ClinVar:

ClinVar aggregate classification (germline): Uncertain significance (1 of 4 stars; one submission).

Conditions:
Nemaline myopathy 10 (NEM10). Identifiers: MedGen C4015360, MONDO:0014513, OMIM 616165.

Submission:

Labcorp Genetics (formerly Invitae), Labcorp
Classification: Uncertain significance for Nemaline myopathy 10. Last evaluated: 2022-08-16. Review status: criteria provided, single submitter. Criteria: Invitae Variant Classification Sherloc (09022015). Collection method: clinical testing. Allele origin: germline.
Comment: Algorithms developed to predict the effect of missense changes on protein structure and function (SIFT, PolyPhen-2, Align-GVGD) all suggest that this variant is likely to be disruptive. In summary, the available evidence is currently insufficient to determine the role of this variant in disease. Therefore, it has been classified as a Variant of Uncertain Significance. ClinVar contains an entry for this variant (Variation ID: 575688). This variant has not been reported in the literature in individuals affected with LMOD3-related conditions. This variant is not present in population databases (gnomAD no frequency). This sequence change replaces glutamine, which is neutral and polar, with lysine, which is basic and polar, at codon 57 of the LMOD3 protein (p.Gln57Lys).

NM_198271.5(LMOD3):c.169C>A (p.Gln57Lys)

Genes: LMOD3 (leiomodin 3; minus strand), LOC126806710 (CDK7 strongly-dependent group 2 enhancer GRCh37_chr3:69170601-69171800; plus strand). Cytogenetic location: 3p14.1.
Variant type: single nucleotide variant.
Coding change: c.169C>A on transcript NM_198271.5 (MANE Select); coding-DNA position 169, C replaced by A.
Protein change: p.Gln57Lys; replaces glutamine 57 with lysine.
Molecular consequence: missense variant.
Genome position (GRCh38, 1-based): chr3:69,122,218, G>T on the plus strand (C>A on the coding strand, the complement: LMOD3 is on the minus strand). VCF-style: chr3-69122218-G-T. GRCh37 (hg19) VCF-style: chr3-69171369-G-T.
Other names: c.169C>A, p.Gln57Lys (NM_001304418.3); short protein forms Q57K.
Identifiers: ClinVar variation 575688 (VCV000575688.6), dbSNP rs1559663262, ClinGen allele CA353479221.
Genomic context (GRCh38, chr3:69,122,218, plus strand): 5'-AATACATATAATCAACAAGAGATTTATGATTGAAGTTTCCTGTCGGTGGCTTGTCAGTTT[G>T]ATCTTTCTGAATCATTCCCACGGGAAGGCTGGGGTCAGGGGCCATGACTTCCATTTCCGA-3'
Protein context (NP_938012.2, residues 47-67): SLPVGMIQKD[Gln57Lys]TDKPPTGNFN